The following is an entry in ClinVar:

ClinVar aggregate classification (germline): Uncertain significance (1 of 4 stars; one submission).

Conditions:
Bethlem myopathy 1A. Also called: Bethlem myopathy 1; MYOPATHY, BENIGN CONGENITAL, WITH CONTRACTURES; Bethlem Muscular Dystrophy. Identifiers: Orphanet 610, MedGen CN029274, MONDO:0024530, OMIM 158810.

Allele frequency attached by ClinVar (database versions not stated): gnomAD exomes below 0.00001.
gnomAD v4.1: 1 of 1,612,652 alleles (0.000062%); highest among the groups gnomAD compares: Admixed American, 0.0017%; no homozygotes.

Submission:

Labcorp Genetics (formerly Invitae), Labcorp
Classification: Uncertain significance for Bethlem myopathy 1A. Last evaluated: 2024-01-15. Review status: criteria provided, single submitter. Criteria: Invitae Variant Classification Sherloc (09022015). Collection method: clinical testing. Allele origin: germline.
Comment: This sequence change replaces valine, which is neutral and non-polar, with methionine, which is neutral and non-polar, at codon 663 of the COL6A1 protein (p.Val663Met). This variant is not present in population databases (gnomAD no frequency). This variant has not been reported in the literature in individuals affected with COL6A1-related conditions. Advanced modeling of protein sequence and biophysical properties (such as structural, functional, and spatial information, amino acid conservation, physicochemical variation, residue mobility, and thermodynamic stability) performed at Invitae indicates that this missense variant is not expected to disrupt COL6A1 protein function with a negative predictive value of 95%. In summary, the available evidence is currently insufficient to determine the role of this variant in disease. Therefore, it has been classified as a Variant of Uncertain Significance.

NM_001848.3(COL6A1):c.1987G>A (p.Val663Met)

Gene: COL6A1 (collagen type VI alpha 1 chain; plus strand). Cytogenetic location: 21q22.3.
Variant type: single nucleotide variant.
Coding change: c.1987G>A on transcript NM_001848.3 (MANE Select); coding-DNA position 1987, G replaced by A.
Protein change: p.Val663Met; replaces valine 663 with methionine.
Molecular consequence: missense variant.
Genome position (GRCh38, 1-based): chr21:46,001,991, G>A. VCF-style: chr21-46001991-G-A. GRCh37 (hg19) VCF-style: chr21-47421905-G-A.
Other names: short protein forms V663M.
Identifiers: ClinVar variation 2779840 (VCV002779840.3), dbSNP rs1267902525, ClinGen allele CA410535084.